The following is an entry in ClinVar:

NM_001303256.3(MORC2):c.2381-5G>A

Gene: MORC2 (MORC family CW-type zinc finger 2; minus strand). Cytogenetic location: 22q12.2.
Variant type: single nucleotide variant.
Coding change: c.2381-5G>A on transcript NM_001303256.3 (MANE Select); 5 bases into the intron before coding-DNA position 2381, G replaced by A.
Molecular consequence: intron variant.
Genome position (GRCh38, 1-based): chr22:30,933,035, C>T on the plus strand (G>A on the coding strand, the complement: MORC2 is on the minus strand). VCF-style: chr22-30933035-C-T. GRCh37 (hg19) VCF-style: chr22-31329022-C-T.
Other names: c.2381-5G>A (NM_001303257.2); c.2195-5G>A (NM_014941.3).
Identifiers: ClinVar variation 2637455 (VCV002637455.1), dbSNP rs2517571586, ClinGen allele CA2577688166.

ClinVar aggregate classification (germline): Uncertain significance (1 of 4 stars; one submission).

Submission:

Women's Health and Genetics/Laboratory Corporation of America, LabCorp
Classification: Uncertain significance. Last evaluated: 2023-10-25. Review status: criteria provided, single submitter. Criteria: LabCorp Variant Classification Summary - May 2015. Collection method: clinical testing. Allele origin: germline.
Comment: Variant summary: MORC2 c.2381-5G>A alters a non-conserved nucleotide located close to a canonical splice site and therefore could affect mRNA splicing, leading to a significantly altered protein sequence. Consensus agreement among computation tools predict no significant impact on normal splicing. However, these predictions have yet to be confirmed by functional studies. The variant was absent in 250118 control chromosomes. The available data on variant occurrences in the general population are insufficient to allow any conclusion about variant significance. To our knowledge, no occurrence of c.2381-5G>A in individuals affected with Developmental Delay, Impaired Growth, Dysmorphic Facies, And Axonal Neuropathy and no experimental evidence demonstrating its impact on protein function have been reported. No submitters have cited clinical-significance assessments for this variant to ClinVar after 2014. Based on the evidence outlined above, the variant was classified as uncertain significance.